The following is an entry in ClinVar:

NC_000002.12:g.(?_178624445)_(178636819_?)del

Genes: TTN (titin; minus strand), LOC129388955 (MPRA-validated peak3948 silencer; plus strand). Cytogenetic location: 2q31.2.
Variant type: Deletion.
Identifiers: ClinVar variation 535753 (VCV000535753.1).

ClinVar aggregate classification (germline): Uncertain significance (1 of 4 stars; one submission).

Conditions:
Autosomal recessive limb-girdle muscular dystrophy type 2J (LGMDR10). Also called: Limb-girdle muscular dystrophy, type 2J; MUSCULAR DYSTROPHY, LIMB-GIRDLE, AUTOSOMAL RECESSIVE 10. Identifiers: Orphanet 140922, MedGen C1837342, MONDO:0012127, OMIM 608807.
Dilated cardiomyopathy 1G (CMD1G). Identifiers: Orphanet 154, MedGen C1858763, MONDO:0011400, OMIM 604145.

Submission:

Labcorp Genetics (formerly Invitae), Labcorp
Classification: Uncertain significance for Dilated cardiomyopathy 1G; Autosomal recessive limb-girdle muscular dystrophy type 2J. Last evaluated: 2017-12-06. Review status: criteria provided, single submitter. Criteria: Invitae Variant Classification Sherloc (09022015). Collection method: clinical testing. Allele origin: germline.
Comment: This variant is an in-frame deletion of the genomic region encompassing exons 225-242 of the TTN gene. It preserves the integrity of the reading frame. This variant has not been reported in the literature in individuals with TTN-related disease. In summary, the available evidence is currently insufficient to determine the role of this variant in disease. Therefore, it has been classified as a Variant of Uncertain Significance.